The following is an entry in ClinVar:

NM_138704.4(NSMCE3):c.737A>G (p.Tyr246Cys)

Genes: ENTREP2 (endosomal transmembrane epsin interactor 2; minus strand), NSMCE3 (NSE3 homolog, SMC5-SMC6 complex component; minus strand). Cytogenetic location: 15q13.1.
Variant type: single nucleotide variant.
Coding change: c.737A>G on transcript NM_138704.4 (MANE Select); coding-DNA position 737, A replaced by G.
Protein change: p.Tyr246Cys; replaces tyrosine 246 with cysteine.
Molecular consequence: missense variant. On other transcripts: intron variant (5).
Genome position (GRCh38, 1-based): chr15:29,268,969, T>C on the plus strand (A>G on the coding strand, the complement: NSMCE3 is on the minus strand). VCF-style: chr15-29268969-T-C. GRCh37 (hg19) VCF-style: chr15-29561173-T-C.
Other names: c.-12-16491A>G (NM_001387217.1, NM_001387215.1, NM_001387216.1); c.277-16491A>G (NM_001387214.1, NM_015307.2); short protein forms Y246C.
Identifiers: ClinVar variation 1346854 (VCV001346854.4), dbSNP rs2043542486, ClinGen allele CA391483605.
Genomic context (GRCh38, chr15:29,268,969, plus strand): 5'-AACTTAAGAACTTTCATCTTGCTGGTTTCCAGGTTGGTTCGCGGGCCCCACTGGAATTCG[T>C]AGTCGACGGGGTCGGTGTGGGGTATCCGCCGGTATTCCAGGTAACGCTGTCGCACAAAGT-3'
Protein context (NP_619649.1, residues 236-256): RRIPHTDPVD[Tyr246Cys]EFQWGPRTNL

ClinVar aggregate classification (germline): Uncertain significance (1 of 4 stars; one submission).

Allele frequency attached by ClinVar (database versions not stated): gnomAD exomes below 0.00001; gnomAD 0.00001.
gnomAD v4.1: 4 of 1,614,058 alleles (0.00025%); highest among the groups gnomAD compares: African/African-American, 0.0013%; no homozygotes.

Submission:

Labcorp Genetics (formerly Invitae), Labcorp
Classification: Uncertain significance. Last evaluated: 2024-07-16. Review status: criteria provided, single submitter. Criteria: Invitae Variant Classification Sherloc (09022015). Collection method: clinical testing. Allele origin: germline.
Comment: This sequence change replaces tyrosine, which is neutral and polar, with cysteine, which is neutral and slightly polar, at codon 246 of the NSMCE3 protein (p.Tyr246Cys). This variant is not present in population databases (gnomAD no frequency). This variant has not been reported in the literature in individuals affected with NSMCE3-related conditions. ClinVar contains an entry for this variant (Variation ID: 1346854). Advanced modeling of protein sequence and biophysical properties (such as structural, functional, and spatial information, amino acid conservation, physicochemical variation, residue mobility, and thermodynamic stability) performed at Invitae indicates that this missense variant is not expected to disrupt NSMCE3 protein function with a negative predictive value of 80%. In summary, the available evidence is currently insufficient to determine the role of this variant in disease. Therefore, it has been classified as a Variant of Uncertain Significance.